The following is an entry in ClinVar:

ClinVar aggregate classification (germline): Uncertain significance (1 of 4 stars; one submission).

Allele frequency attached by ClinVar (database versions not stated): gnomAD exomes below 0.00001.

Submission:

Labcorp Genetics (formerly Invitae), Labcorp
Classification: Uncertain significance. Last evaluated: 2022-05-21. Review status: criteria provided, single submitter. Criteria: Invitae Variant Classification Sherloc (09022015). Collection method: clinical testing. Allele origin: germline.
Comment: In summary, the available evidence is currently insufficient to determine the role of this variant in disease. Therefore, it has been classified as a Variant of Uncertain Significance. Algorithms developed to predict the effect of missense changes on protein structure and function are either unavailable or do not agree on the potential impact of this missense change (SIFT: "Deleterious"; PolyPhen-2: "Possibly Damaging"; Align-GVGD: "Class C0"). This variant has not been reported in the literature in individuals affected with ARHGEF1-related conditions. This variant is not present in population databases (gnomAD no frequency). This sequence change replaces glutamic acid, which is acidic and polar, with lysine, which is basic and polar, at codon 217 of the ARHGEF1 protein (p.Glu217Lys).

NM_004706.4(ARHGEF1):c.604G>A (p.Glu202Lys)

Gene: ARHGEF1 (Rho guanine nucleotide exchange factor 1; plus strand). Cytogenetic location: 19q13.2.
Variant type: single nucleotide variant.
Coding change: c.604G>A on transcript NM_004706.4 (MANE Select); coding-DNA position 604, G replaced by A.
Protein change: p.Glu202Lys; replaces glutamic acid 202 with lysine.
Molecular consequence: missense variant. On other transcripts: non-coding transcript variant (2).
Genome position (GRCh38, 1-based): chr19:41,892,839, G>A. VCF-style: chr19-41892839-G-A. GRCh37 (hg19) VCF-style: chr19-42396910-G-A.
Other names: c.604G>A, p.Glu202Lys (NM_001396000.1, NM_001396003.1, NM_001396006.1); c.505G>A, p.Glu169Lys (NM_001396002.1, NM_001396004.1, NM_198977.2); c.649G>A, p.Glu217Lys (NM_199002.2); short protein forms E169K, E217K, E202K.
Identifiers: ClinVar variation 1997475 (VCV001997475.4), dbSNP rs1599637715, ClinGen allele CA406048912.